The following is an entry in ClinVar:

ClinVar aggregate classification (germline): Uncertain significance (1 of 4 stars; one submission).

Conditions:
Hereditary cancer-predisposing syndrome. Also called: Hereditary Cancer Syndrome; Tumor predisposition; Hereditary neoplastic syndrome; Neoplastic Syndromes, Hereditary. Identifiers: Orphanet 140162, MedGen C0027672, MeSH D009386, MONDO:0015356.

Submission:

Ambry Genetics
Classification: Uncertain significance for Hereditary cancer-predisposing syndrome. Last evaluated: 2024-06-21. Review status: criteria provided, single submitter. Criteria: Ambry Variant Classification Scheme 2023. Collection method: clinical testing. Allele origin: germline.
Comment: The p.R272K variant (also known as c.815G>A), located in coding exon 1 of the AXIN2 gene, results from a G to A substitution at nucleotide position 815. The arginine at codon 272 is replaced by lysine, an amino acid with highly similar properties. However, this change occurs in the last base pair of coding exon 1 and may have some effect on normal mRNA splicing. This nucleotide position is highly conserved in available vertebrate species. In silico splice site analysis predicts that this alteration will not have any significant effect on splicing. This amino acid position is highly conserved in available vertebrate species. In addition, as a missense substitution this is predicted to be inconclusive by in silico analysis. Based on the available evidence, the clinical significance of this variant remains unclear.

NM_004655.4(AXIN2):c.815G>A (p.Arg272Lys)

Gene: AXIN2 (axin 2; minus strand). Cytogenetic location: 17q24.1.
Variant type: single nucleotide variant.
Coding change: c.815G>A on transcript NM_004655.4 (MANE Select); coding-DNA position 815, G replaced by A.
Protein change: p.Arg272Lys; replaces arginine 272 with lysine.
Molecular consequence: missense variant.
Genome position (GRCh38, 1-based): chr17:65,557,806, C>T on the plus strand (G>A on the coding strand, the complement: AXIN2 is on the minus strand). VCF-style: chr17-65557806-C-T. GRCh37 (hg19) VCF-style: chr17-63553924-C-T.
Other names: c.815G>A, p.Arg272Lys (NM_001363813.1); short protein forms R272K.
Identifiers: ClinVar variation 3258257 (VCV003258257.1).
Genomic context (GRCh38, chr17:65,557,806, plus strand): 5'-ATACTTAAAACATCTGCAAAGTCCACAGCATCAGCCCACCCGCCCCCGTCAAAGTCTTAC[C>T]TGTATCCACTGTCAACAGTTTCCGTGGACCTCACACTCGCCGTGGCCCTCAGAGTTTTGC-3'
Protein context (NP_004646.3, residues 262-282): RSTETVDSGY[Arg272Lys]SFKRSDPVNP